The following is an entry in ClinVar:

NM_006648.4(WNK2):c.2701T>A (p.Ser901Thr)

Gene: WNK2 (WNK lysine deficient protein kinase 2; plus strand). Cytogenetic location: 9q22.31.
Variant type: single nucleotide variant.
Coding change: c.2701T>A on transcript NM_006648.4 (MANE Select); coding-DNA position 2701, T replaced by A.
Protein change: p.Ser901Thr; replaces serine 901 with threonine.
Molecular consequence: missense variant.
Genome position (GRCh38, 1-based): chr9:93,259,249, T>A. VCF-style: chr9-93259249-T-A. GRCh37 (hg19) VCF-style: chr9-96021531-T-A.
Other names: c.2701T>A, p.Ser901Thr (NM_001282394.3); short protein forms S901T.
Identifiers: ClinVar variation 3470552 (VCV003470552.1).

ClinVar aggregate classification (germline): Uncertain significance (1 of 4 stars; one submission).

gnomAD v4.1: 12 of 1,613,342 alleles (0.00074%); highest among the groups gnomAD compares: Admixed American, 0.015%; no homozygotes.

Submission:

Ambry Genetics
Classification: Uncertain significance. Last evaluated: 2024-12-02. Review status: criteria provided, single submitter. Criteria: Ambry Variant Classification Scheme 2023. Collection method: clinical testing. Allele origin: germline.
Comment: The p.S901T variant (also known as c.2701T>A), located in coding exon 11 of the WNK2 gene, results from a T to A substitution at nucleotide position 2701. The serine at codon 901 is replaced by threonine, an amino acid with similar properties. This amino acid position is conserved. In addition, this alteration is predicted to be tolerated by in silico analysis. Based on the available evidence, the clinical significance of this variant remains unclear.